The following is an entry in ClinVar:

NM_031407.7(HUWE1):c.5784C>A (p.Thr1928=)

Gene: HUWE1 (HECT, UBA and WWE domain containing E3 ubiquitin protein ligase 1; minus strand). Cytogenetic location: Xp11.22.
Variant type: single nucleotide variant.
Coding change: c.5784C>A on transcript NM_031407.7 (MANE Select); coding-DNA position 5784, C replaced by A.
Protein change: p.Thr1928=; no amino-acid change (threonine 1928 retained).
Molecular consequence: synonymous variant.
Genome position (GRCh38, 1-based): chrX:53,577,000, G>T on the plus strand (C>A on the coding strand, the complement: HUWE1 is on the minus strand). VCF-style: chrX-53577000-G-T. GRCh37 (hg19) VCF-style: chrX-53603960-G-T.
Identifiers: ClinVar variation 2991273 (VCV002991273.5), dbSNP rs781919655, ClinGen allele CA10422214.

ClinVar aggregate classification (germline): Benign/Likely benign. Review status: criteria provided, multiple submitters, no conflicts (2 of 4 stars). 2 submissions from 2 submitters: Benign (1); Likely benign (1). Last evaluated 2026-06-01.

Allele frequency attached by ClinVar (database versions not stated): ExAC 0.00003; gnomAD 0.00003; TOPMed 0.00004; gnomAD exomes 0.00009.
gnomAD v4.1: 107 of 1,203,654 alleles (0.0089%); highest among the groups gnomAD compares: Non-Finnish European, 0.011%; no homozygotes.

Submissions (2):

CeGaT Center for Human Genetics Tuebingen
Classification: Likely benign. Last evaluated: 2026-06-01. Review status: criteria provided, single submitter. Criteria: CeGaT Center For Human Genetics Tuebingen Variant Classification Criteria Version 2. Collection method: clinical testing. Allele origin: germline. Affected: yes. Observed: 1 variant allele.
Comment: HUWE1: BP4, BP7, BS2

Labcorp Genetics (formerly Invitae), Labcorp
Classification: Benign. Last evaluated: 2024-02-02. Review status: criteria provided, single submitter. Criteria: Invitae Variant Classification Sherloc (09022015). Collection method: clinical testing. Allele origin: germline.